The following is an entry in ClinVar:

ClinVar aggregate classification (germline): Likely benign. Review status: criteria provided, single submitter (1 of 4 stars). 2 submissions from 2 submitters: Likely benign (1). 1 of the submissions does not count toward it. Last evaluated 2022-03-02.

Conditions:
ARHGAP24-related disorder. Also called: ARHGAP24-related condition.

Allele frequency attached by ClinVar (database versions not stated): gnomAD 0.00001; TOPMed 0.00001; gnomAD exomes 0.00002.
gnomAD v4.1: 37 of 1,613,744 alleles (0.0023%); highest among the groups gnomAD compares: Non-Finnish European, 0.0029%; no homozygotes.

Submissions (2):

Labcorp Genetics (formerly Invitae), Labcorp
Classification: Likely benign. Last evaluated: 2022-03-02. Review status: criteria provided, single submitter. Criteria: Invitae Variant Classification Sherloc (09022015). Collection method: clinical testing. Allele origin: germline.

PreventionGenetics, part of Exact Sciences
Classification: Likely benign for ARHGAP24-related condition. Last evaluated: 2021-06-26. Review status: no assertion criteria provided. Collection method: clinical testing. Allele origin: germline. Not counted in ClinVar's aggregate classification.
Comment: This variant is classified as likely benign based on ACMG/AMP sequence variant interpretation guidelines (Richards et al. 2015 PMID: 25741868, with internal and published modifications).

NM_001025616.3(ARHGAP24):c.780T>C (p.Asn260=)

Gene: ARHGAP24 (Rho GTPase activating protein 24; plus strand). Cytogenetic location: 4q21.23.
Variant type: single nucleotide variant.
Coding change: c.780T>C on transcript NM_001025616.3 (MANE Select); coding-DNA position 780, T replaced by C.
Protein change: p.Asn260=; no amino-acid change (asparagine 260 retained).
Molecular consequence: synonymous variant.
Genome position (GRCh38, 1-based): chr4:85,974,935, T>C. VCF-style: chr4-85974935-T-C. GRCh37 (hg19) VCF-style: chr4-86896088-T-C.
Other names: c.780T>C (NM_001025616.2); c.495T>C, p.Asn165= (NM_001042669.2); c.525T>C, p.Asn175= (NM_001287805.2); c.201T>C, p.Asn67= (NM_001346093.2); c.501T>C, p.Asn167= (NM_031305.3).
Identifiers: ClinVar variation 1900515 (VCV001900515.7), dbSNP rs777612257, ClinGen allele CA100734624.